The following is an entry in ClinVar:

ClinVar aggregate classification (germline): Uncertain significance (1 of 4 stars; one submission).

Allele frequency attached by ClinVar (database versions not stated): gnomAD 0.00001 and 0.00002; gnomAD exomes 0.00001 and 0.00003; TOPMed 0.00002.

Submission:

Labcorp Genetics (formerly Invitae), Labcorp
Classification: Uncertain significance. Last evaluated: 2022-06-27. Review status: criteria provided, single submitter. Criteria: Invitae Variant Classification Sherloc (09022015). Collection method: clinical testing. Allele origin: germline.
Comment: In summary, the available evidence is currently insufficient to determine the role of this variant in disease. Therefore, it has been classified as a Variant of Uncertain Significance. Algorithms developed to predict the effect of missense changes on protein structure and function are either unavailable or do not agree on the potential impact of this missense change (SIFT: "Tolerated"; PolyPhen-2: "Probably Damaging"; Align-GVGD: "Class C0"). This variant has not been reported in the literature in individuals affected with GGCX-related conditions. This variant is present in population databases (no rsID available, gnomAD 0.003%). This sequence change replaces arginine, which is basic and polar, with cysteine, which is neutral and slightly polar, at codon 359 of the GGCX protein (p.Arg359Cys).

NM_000821.7(GGCX):c.1075C>T (p.Arg359Cys)

Gene: GGCX (gamma-glutamyl carboxylase; minus strand). Cytogenetic location: 2p11.2.
Variant type: single nucleotide variant.
Coding change: c.1075C>T on transcript NM_000821.7 (MANE Select); coding-DNA position 1075, C replaced by T.
Protein change: p.Arg359Cys; replaces arginine 359 with cysteine.
Molecular consequence: missense variant.
Genome position (GRCh38, 1-based): chr2:85,553,312, G>A on the plus strand (C>T on the coding strand, the complement: GGCX is on the minus strand). VCF-style: chr2-85553312-G-A. GRCh37 (hg19) VCF-style: chr2-85780435-G-A.
Other names: c.904C>T, p.Arg302Cys (NM_001142269.4); short protein forms R302C, R359C.
Identifiers: ClinVar variation 1404501 (VCV001404501.4), dbSNP rs997917558, ClinGen allele CA51736590.